The following is an entry in ClinVar:

ClinVar aggregate classification (germline): Likely benign (1 of 4 stars; one submission).

Conditions:
Hereditary angioedema type 1 (HAE1). Identifiers: Orphanet 100050, Orphanet 100051, Orphanet 91378, MedGen C2717906, MONDO:0015053, OMIM 106100.

Submission:

CeMIA
Classification: Likely benign for Hereditary angioedema type 1. Review status: criteria provided, single submitter. Criteria: ACMG Guidelines, 2015. Collection method: clinical testing. Allele origin: germline. Affected: yes.
Comment: This variant is considered likely benign or benign based on one or more of the following criteria: allele frequency is >5% in Exome Sequencing Project, 1000 Genomes Project, or Exome Aggregation Consortium (BA1), allele frequency is greater than expected for disorder (BS1), it is observed in a healthy adult individual (BS2), it is predicted to be benign by multiple in silico algorithms (BP4), it is found in a case with an alternate molecular basis for the disease (BP5) and/or reputable source recently reports variant as benign (BP6).

Literature cited by the submitters: PubMed 31959500.

NM_000062.3(SERPING1):c.686-1333A>T

Gene: SERPING1 (serpin family G member 1; plus strand). Cytogenetic location: 11q12.1.
Variant type: single nucleotide variant.
Coding change: c.686-1333A>T on transcript NM_000062.3 (MANE Select); 1333 bases into the intron before coding-DNA position 686, A replaced by T.
Molecular consequence: intron variant.
Genome position (GRCh38, 1-based): chr11:57,604,677, A>T. VCF-style: chr11-57604677-A-T. GRCh37 (hg19) VCF-style: chr11-57372150-A-T.
Other names: c.686-1333A>T (NM_001032295.2).
Identifiers: ClinVar variation 983250 (VCV000983250.2), dbSNP rs1945388566, ClinGen allele CA1139661964.